The following is an entry in ClinVar:

ClinVar aggregate classification (germline): Likely pathogenic (1 of 4 stars; one submission).

Conditions:
Vascular malformation. Also called: Vascular malformations. Identifiers: MedGen C0158570, MONDO:0024291.

Submission:

Clinical Genomics Laboratory, Washington University in St. Louis
Classification: Likely pathogenic for Vascular malformation. Last evaluated: 2026-04-10. Review status: criteria provided, single submitter. Criteria: Leon-Quintero et al. (Clin Genet. 2025). Collection method: clinical testing. Allele origin: somatic. Affected: yes.
Comment: A KRAS c.127_228dup (p.Gln43_Glu76dup) variant was identified at an allelic fraction consistent with somatic origin. This exact variant, to our knowledge, has not been reported in the medical literature or the ClinVar database. However, several other in-frame indels in this region in the RAS genes have been identified in individuals with vascular anomalies and are considered likely pathogenic/pathogenic (Claire Hou Y-C et al., PMID: 36571464). It is absent from the general population (gnomAD v4.1.1), indicating it is not a common variant. The KRAS c.127_228dup (p.Gln43_Glu76dup) variant resides within a region, the switch II domain, of KRAS that is defined as a critical functional domain (Kim JH et al., PMID: 34830757). This variant is predicted to cause a change in the length of the protein due to an in-frame duplication of 34 amino acids in a non-repeat region. Based on available information and an internally developed protocol informed by the ACMG/AMP guidelines for variant interpretation and gene-specific practices from the ClinGen Criteria Specification Registry (Leon-Quintero FZ et al., PMID: 39434542), the KRAS c.127_228dup (p.Gln43_Glu76dup) variant is classified as likely pathogenic.

NM_004985.5(KRAS):c.127_228dup (p.Glu76_Gly77insGlnValValIleAspGlyGluThrCysLeuLeuAspIleLeuAspThrAlaGlyGlnGluGluTyrSerAlaMetArgAspGlnTyrMetArgThrGlyGlu)

Gene: KRAS (KRas proto-oncogene, GTPase; minus strand). Cytogenetic location: 12p12.1.
Variant type: Duplication.
Coding change: c.127_228dup on transcript NM_004985.5 (MANE Select); coding-DNA positions 127 to 228, 102 bases duplicated.
Protein change: p.Glu76_Gly77insGlnValValIleAspGlyGluThrCysLeuLeuAspIleLeuAspThrAlaGlyGlnGluGluTyrSerAlaMetArgAspGlnTyrMetArgThrGlyGlu.
Genome position (GRCh38, 1-based): chr12:25,227,296-25,227,397, 102 bases duplicated. GRCh37 (hg19): chr12:25,380,232-25,380,333.
Other names: c.127_228dup, p.Glu76_Gly77insGlnValValIleAspGlyGluThrCysLeuLeuAspIleLeuAspThrAlaGlyGlnGluGluTyrSerAlaMetArgAspGlnTyrMetArgThrGlyGlu (NM_001369786.1, NM_001369787.1, NM_033360.4).
Identifiers: ClinVar variation 4974578 (VCV004974578.1).